The following is an entry in ClinVar:

NM_000369.5(TSHR):c.1270G>T (p.Val424Phe)

Genes: TSHR (thyroid stimulating hormone receptor; plus strand), TSHR-AS1 (TSHR antisense RNA 1; minus strand). Cytogenetic location: 14q31.1.
Variant type: single nucleotide variant.
Coding change: c.1270G>T on transcript NM_000369.5 (MANE Select); coding-DNA position 1270, G replaced by T.
Protein change: p.Val424Phe; replaces valine 424 with phenylalanine.
Molecular consequence: missense variant.
Genome position (GRCh38, 1-based): chr14:81,143,328, G>T. VCF-style: chr14-81143328-G-T. GRCh37 (hg19) VCF-style: chr14-81609672-G-T.
Other names: short protein forms V424F.
Identifiers: ClinVar variation 3336132 (VCV003336132.1).
Genomic context (GRCh38, chr14:81,143,328, plus strand): 5'-GAGTTCAACCCGTGTGAAGACATAATGGGCTACAAGTTCCTGAGAATTGTGGTGTGGTTC[G>T]TTAGTCTGCTGGCTCTCCTGGGCAATGTCTTTGTCCTGCTTATTCTCCTCACCAGCCACT-3'
Protein context (NP_000360.2, residues 414-434): YKFLRIVVWF[Val424Phe]SLLALLGNVF

ClinVar aggregate classification (germline): Uncertain significance (1 of 4 stars; one submission).

gnomAD v4.1: 13 of 1,614,068 alleles (0.00081%); highest among the groups gnomAD compares: Admixed American, 0.0017%; no homozygotes.

Submission:

Women's Health and Genetics/Laboratory Corporation of America, LabCorp
Classification: Uncertain significance. Last evaluated: 2024-05-06. Review status: criteria provided, single submitter. Criteria: LabCorp Variant Classification Summary - May 2015. Collection method: clinical testing. Allele origin: germline.
Comment: Variant summary: TSHR c.1270G>T (p.Val424Phe) results in a non-conservative amino acid change in the encoded protein sequence. Five of five in-silico tools predict a damaging effect of the variant on protein function. The variant allele was found at a frequency of 1.6e-05 in 251494 control chromosomes. The available data on variant occurrences in the general population are insufficient to allow any conclusion about variant significance. c.1270G>T has been reported in the literature as a non-informative genotype (second allele and/or zygosity not specified) in cohorts of individuals affected with Congenital Hypothyroidism (example, Long_2018, Wang_2020, Xue_2021, Li_2023). These report(s) do not provide unequivocal conclusions about association of the variant with Hypothyroidism Due To TSH Receptor Mutations. To our knowledge, no experimental evidence demonstrating an impact on protein function has been reported. The following publications have been ascertained in the context of this evaluation (PMID: 36125728, 30022773, 32425884, 34377013). No submitters have cited clinical-significance assessments for this variant to ClinVar. Based on the evidence outlined above, the variant was classified as uncertain significance.

Literature cited by the submitters: PubMed 32425884; PubMed 30022773; PubMed 36125728; PubMed 34377013.